The following is an entry in ClinVar:

ClinVar aggregate classification (germline): Uncertain significance (1 of 4 stars; one submission).

Conditions:
Ataxia-telangiectasia syndrome (AT). Also called: Cerebello-oculocutaneous telangiectasia; Immunodeficiency with ataxia telangiectasia; AT, COMPLEMENTATION GROUP C; ATAXIA-TELANGIECTASIA, COMPLEMENTATION GROUP A; ATAXIA-TELANGIECTASIA, FRESNO VARIANT; LOUIS-BAR SYNDROME. Identifiers: Orphanet 100, MedGen C0004135, MONDO:0008840, OMIM 208900.

Submission:

Labcorp Genetics (formerly Invitae), Labcorp
Classification: Uncertain significance for Ataxia-telangiectasia syndrome. Last evaluated: 2020-12-24. Review status: criteria provided, single submitter. Criteria: Invitae Variant Classification Sherloc (09022015). Collection method: clinical testing. Allele origin: germline.
Comment: In summary, the available evidence is currently insufficient to determine the role of this variant in disease. Therefore, it has been classified as a Variant of Uncertain Significance. Algorithms developed to predict the effect of sequence changes on RNA splicing suggest that this variant may create or strengthen a splice site, but this prediction has not been confirmed by published transcriptional studies. Advanced modeling of protein sequence and biophysical properties (such as structural, functional, and spatial information, amino acid conservation, physicochemical variation, residue mobility, and thermodynamic stability) performed at Invitae indicates that this missense variant is not expected to disrupt ATM protein function. This variant has not been reported in the literature in individuals with ATM-related conditions. This variant is not present in population databases (ExAC no frequency). This sequence change replaces histidine with glutamine at codon 269 of the ATM protein (p.His269Gln). The histidine residue is weakly conserved and there is a small physicochemical difference between histidine and glutamine.

NM_000051.4(ATM):c.807T>G (p.His269Gln)

Gene: ATM (ATM serine/threonine kinase; plus strand). Cytogenetic location: 11q22.3.
Variant type: single nucleotide variant.
Coding change: c.807T>G on transcript NM_000051.4 (MANE Select); coding-DNA position 807, T replaced by G.
Protein change: p.His269Gln; replaces histidine 269 with glutamine.
Molecular consequence: missense variant.
Genome position (GRCh38, 1-based): chr11:108,244,932, T>G. VCF-style: chr11-108244932-T-G. GRCh37 (hg19) VCF-style: chr11-108115659-T-G.
Other names: c.807T>G, p.His269Gln (NM_001351834.2); short protein forms H269Q.
Identifiers: ClinVar variation 1496932 (VCV001496932.8), dbSNP rs2135241561, ClinGen allele CA382529386.
Genomic context (GRCh38, chr11:108,244,932, plus strand): 5'-TCGAGTGTGTGAATTAGGAGATGAAATTCTTCCCACTTTGCTTTATATTTGGACTCAACA[T>G]AGGCTTAATGATTCTTTAAAAGAAGTCATTATTGAATTATTTCAACTGCAAATTTATATC-3'
Protein context (NP_000042.3, residues 259-279): LPTLLYIWTQ[His269Gln]RLNDSLKEVI